The following is an entry in ClinVar:

ClinVar aggregate classification (germline): Uncertain significance (1 of 4 stars; one submission).

Submission:

Labcorp Genetics (formerly Invitae), Labcorp
Classification: Uncertain significance. Last evaluated: 2022-11-15. Review status: criteria provided, single submitter. Criteria: Invitae Variant Classification Sherloc (09022015). Collection method: clinical testing. Allele origin: germline.
Comment: ClinVar contains an entry for this variant (Variation ID: 1376694). This variant has not been reported in the literature in individuals affected with SLC22A4-related conditions. This variant is not present in population databases (gnomAD no frequency). This sequence change replaces leucine, which is neutral and non-polar, with methionine, which is neutral and non-polar, at codon 392 of the SLC22A4 protein (p.Leu392Met). Advanced modeling of protein sequence and biophysical properties (such as structural, functional, and spatial information, amino acid conservation, physicochemical variation, residue mobility, and thermodynamic stability) performed at Invitae indicates that this missense variant is not expected to disrupt SLC22A4 protein function. In summary, the available evidence is currently insufficient to determine the role of this variant in disease. Therefore, it has been classified as a Variant of Uncertain Significance.

NM_003059.3(SLC22A4):c.1174T>A (p.Leu392Met)

Genes: MIR3936HG (MIR3936 host gene; minus strand), SLC22A4 (solute carrier family 22 member 4; plus strand). Cytogenetic location: 5q31.1.
Variant type: single nucleotide variant.
Coding change: c.1174T>A on transcript NM_003059.3 (MANE Select); coding-DNA position 1174, T replaced by A.
Protein change: p.Leu392Met; replaces leucine 392 with methionine.
Molecular consequence: missense variant. On other transcripts: non-coding transcript variant (1).
Genome position (GRCh38, 1-based): chr5:132,334,845, T>A. VCF-style: chr5-132334845-T-A. GRCh37 (hg19) VCF-style: chr5-131670538-T-A.
Other names: short protein forms L392M.
Identifiers: ClinVar variation 1376694 (VCV001376694.6), dbSNP rs372962746, ClinGen allele CA360810956.
Genomic context (GRCh38, chr5:132,334,845, plus strand): 5'-CTGAACTGTTTCCTCTCTGCCTTGATTGAAATTCCAGCTTACATTACAGCCTGGCTGCTA[T>A]TGCGAACCCTGCCCAGGCGTTATATCATAGCTGCAGTACTGTTCTGGGGAGGAGGTGTGC-3'
Protein context (NP_003050.2, residues 382-402): IPAYITAWLL[Leu392Met]RTLPRRYIIA